The following is an entry in ClinVar:

ClinVar aggregate classification (germline): Benign (1 of 4 stars; one submission).

Conditions:
Leigh syndrome (NULS). Also called: Leigh's necrotizing encephalopathy; Leigh's disease; Leigh Syndrome (mtDNA deletion); Leigh Disease; Subacute necrotizing encephalopathy; Necrotizing encephalopathy infantile subacute of Leigh. Identifiers: Orphanet 506, MedGen C2931891, MONDO:0009723, OMIM 256000.

Submission:

Wong Mito Lab, Molecular and Human Genetics, Baylor College of Medicine
Classification: Benign for Leigh syndrome. Last evaluated: 2019-10-17. Review status: criteria provided, single submitter. Criteria: Modified ACMG Guidelines (Unpublished). Collection method: clinical testing. Allele origin: germline.
Comment: The NC_012920.1:m.13135G>A (YP_003024036.1:p.Ala267Thr) variant in MTND5 gene is interpretated to be a Benign variant based on the modified ACMG guidelines (unpublished). This variant meets the following evidence codes: BA1

NC_012920.1(MT-ND5):m.13135G>A

Gene: MT-ND5 (mitochondrially encoded NADH dehydrogenase 5; plus strand).
Variant type: single nucleotide variant.
Genome position: chrM-13135-G-A.
Identifiers: ClinVar variation 693524 (VCV000693524.1), dbSNP rs200044200, ClinGen allele CA337099632.